The following is an entry in ClinVar:

ClinVar aggregate classification (germline): Pathogenic (1 of 4 stars; one submission).

Conditions:
Peroxisome biogenesis disorder 2B (PBD2B). Identifiers: Orphanet 44, MedGen C3550234, MONDO:0008736, OMIM 202370.

Submission:

Labcorp Genetics (formerly Invitae), Labcorp
Classification: Pathogenic for Peroxisome biogenesis disorder 2B. Last evaluated: 2023-01-24. Review status: criteria provided, single submitter. Criteria: Invitae Variant Classification Sherloc (09022015). Collection method: clinical testing. Allele origin: germline.
Comment: For these reasons, this variant has been classified as Pathogenic. This variant has not been reported in the literature in individuals affected with PEX5-related conditions. This variant is not present in population databases (gnomAD no frequency). This sequence change creates a premature translational stop signal (p.Tyr504*) in the PEX5 gene. It is expected to result in an absent or disrupted protein product. Loss-of-function variants in PEX5 are known to be pathogenic (PMID: 18712838, 21031596).

Literature cited by the submitters: PubMed 18712838; PubMed 21031596.

NM_001351132.2(PEX5):c.1512T>G (p.Tyr504Ter)

Gene: PEX5 (peroxisomal biogenesis factor 5; plus strand). Cytogenetic location: 12p13.31.
Variant type: single nucleotide variant.
Coding change: c.1512T>G on transcript NM_001351132.2 (MANE Select); coding-DNA position 1512, T replaced by G.
Protein change: p.Tyr504Ter; replaces tyrosine 504 with a stop codon.
Molecular consequence: nonsense.
Genome position (GRCh38, 1-based): chr12:7,209,122, T>G. VCF-style: chr12-7209122-T-G. GRCh37 (hg19) VCF-style: chr12-7361718-T-G.
Other names: c.1512T>G, p.Tyr504Ter (NM_001351133.2, NM_001351134.2, NM_001374647.2 and 4 more transcripts); c.1446T>G, p.Tyr482Ter (NM_001351135.3, NM_001351138.2); c.1503T>G, p.Tyr501Ter (NM_001351136.2); c.1401T>G, p.Tyr467Ter (NM_001351137.3, NM_001374645.1, NM_001374648.2 and 7 more transcripts); c.1377T>G, p.Tyr459Ter (NM_001351139.2, NM_001351140.2, NM_001374649.2); c.1488T>G, p.Tyr496Ter (NM_000319.5); c.1557T>G, p.Tyr519Ter (NM_001131023.2); short protein forms Y482*, Y501*, Y467*, Y459*, Y496*, Y504*, Y519*.
Identifiers: ClinVar variation 2831613 (VCV002831613.3), dbSNP rs2540296604, ClinGen allele CA383735532.